The following is an entry in ClinVar:

NM_130837.3(OPA1):c.49T>A (p.Leu17Ile)

Gene: OPA1 (OPA1 mitochondrial dynamin like GTPase; plus strand). Cytogenetic location: 3q29.
Variant type: single nucleotide variant.
Coding change: c.49T>A on transcript NM_130837.3 (MANE Select); coding-DNA position 49, T replaced by A.
Protein change: p.Leu17Ile; replaces leucine 17 with isoleucine.
Molecular consequence: missense variant. On other transcripts: 5 prime UTR variant (2).
Genome position (GRCh38, 1-based): chr3:193,614,739, T>A. VCF-style: chr3-193614739-T-A. GRCh37 (hg19) VCF-style: chr3-193332528-T-A.
Other names: c.-324T>A (NM_001354663.2, NM_001354664.2); c.49T>A, p.Leu17Ile (NM_015560.3, NM_130831.3, NM_130832.3 and 4 more transcripts); short protein forms L17I.
Identifiers: ClinVar variation 452859 (VCV000452859.9), dbSNP rs760770105, ClinGen allele CA2758930.

ClinVar aggregate classification (germline): Uncertain significance. Review status: criteria provided, multiple submitters, no conflicts (2 of 4 stars). 3 submissions from 3 submitters: Uncertain significance (3). Last evaluated 2025-03-13.

Allele frequency attached by ClinVar (database versions not stated): gnomAD exomes below 0.00001 and 0.00001; ExAC 0.00001; gnomAD 0.00001; TOPMed 0.00003.
gnomAD v4.1: 7 of 1,613,710 alleles (0.00043%); highest among the groups gnomAD compares: Non-Finnish European, 0.00059%; no homozygotes.

Submissions (3):

Labcorp Genetics (formerly Invitae), Labcorp
Classification: Uncertain significance. Last evaluated: 2025-03-13. Review status: criteria provided, single submitter. Criteria: Invitae Variant Classification Sherloc (09022015). Collection method: clinical testing. Allele origin: germline.
Comment: This sequence change replaces leucine, which is neutral and non-polar, with isoleucine, which is neutral and non-polar, at codon 17 of the OPA1 protein (p.Leu17Ile). This variant is present in population databases (rs760770105, gnomAD 0.002%). This variant has not been reported in the literature in individuals affected with OPA1-related conditions. ClinVar contains an entry for this variant (Variation ID: 452859). Invitae Evidence Modeling of protein sequence and biophysical properties (such as structural, functional, and spatial information, amino acid conservation, physicochemical variation, residue mobility, and thermodynamic stability) indicates that this missense variant is not expected to disrupt OPA1 protein function with a negative predictive value of 95%. In summary, the available evidence is currently insufficient to determine the role of this variant in disease. Therefore, it has been classified as a Variant of Uncertain Significance.

GeneDx
Classification: Uncertain significance. Last evaluated: 2024-08-30. Review status: criteria provided, single submitter. Criteria: GeneDx Variant Classification Process June 2021. Collection method: clinical testing. Allele origin: germline. Affected: yes.
Comment: Has not been previously published as pathogenic or benign to our knowledge; Not observed at significant frequency in large population cohorts (gnomAD); In silico analysis supports that this missense variant does not alter protein structure/function

Blueprint Genetics
Classification: Uncertain significance. Last evaluated: 2023-09-22. Review status: criteria provided, single submitter. Criteria: ACMG Guidelines, 2015. Collection method: clinical testing. Allele origin: germline.